The following is an entry in ClinVar:

NM_004523.4(KIF11):c.2831G>A (p.Arg944His)

Gene: KIF11 (kinesin family member 11; plus strand). Cytogenetic location: 10q23.33.
Variant type: single nucleotide variant.
Coding change: c.2831G>A on transcript NM_004523.4 (MANE Select); coding-DNA position 2831, G replaced by A.
Protein change: p.Arg944His; replaces arginine 944 with histidine.
Molecular consequence: missense variant.
Genome position (GRCh38, 1-based): chr10:92,649,895, G>A. VCF-style: chr10-92649895-G-A. GRCh37 (hg19) VCF-style: chr10-94409652-G-A.
Other names: short protein forms R944H.
Identifiers: ClinVar variation 1314094 (VCV001314094.4), dbSNP rs756134992, ClinGen allele CA5604476.

ClinVar aggregate classification (germline): Uncertain significance. Review status: criteria provided, multiple submitters, no conflicts (2 of 4 stars). 2 submissions from 2 submitters: Uncertain significance (2). Last evaluated 2022-10-06.

Conditions:
Inborn genetic diseases. Identifiers: MedGen C0950123, MeSH D030342.

Allele frequency attached by ClinVar (database versions not stated): gnomAD exomes 0.00001; ExAC 0.00002.
gnomAD v4.1: 9 of 1,613,088 alleles (0.00056%); highest among the groups gnomAD compares: Non-Finnish European, 0.00076%; no homozygotes.

Submissions (2):

Ambry Genetics
Classification: Uncertain significance for Inborn genetic diseases. Last evaluated: 2022-10-06. Review status: criteria provided, single submitter. Criteria: Ambry Variant Classification Scheme 2023. Collection method: clinical testing. Allele origin: germline.

GeneDx
Classification: Uncertain significance. Last evaluated: 2021-01-29. Review status: criteria provided, single submitter. Criteria: GeneDx Variant Classification Process June 2021. Collection method: clinical testing. Allele origin: germline. Affected: yes.
Comment: In silico analysis supports that this missense variant does not alter protein structure/function; Has not been previously published as pathogenic or benign to our knowledge